The following is an entry in ClinVar:

NM_005422.4(TECTA):c.6062G>A (p.Arg2021His)

Genes: TBCEL-TECTA (TBCEL-TECTA readthrough; plus strand), TECTA (tectorin alpha; plus strand). Cytogenetic location: 11q23.3.
Variant type: single nucleotide variant.
Coding change: c.6062G>A on transcript NM_005422.4 (MANE Select); coding-DNA position 6062, G replaced by A.
Protein change: p.Arg2021His; replaces arginine 2021 with histidine.
Molecular consequence: missense variant.
Genome position (GRCh38, 1-based): chr11:121,187,894, G>A. VCF-style: chr11-121187894-G-A. GRCh37 (hg19) VCF-style: chr11-121058603-G-A.
Other names: c.7004G>A, p.Arg2335His (NM_001378761.1); short protein forms R2021H, R2335H.
Identifiers: ClinVar variation 7021 (VCV000007021.11), dbSNP rs121909062, ClinGen allele CA254070.

ClinVar aggregate classification (germline): Pathogenic/Likely pathogenic. Review status: criteria provided, multiple submitters, no conflicts (2 of 4 stars). 5 submissions from 5 submitters: Pathogenic (1); Likely pathogenic (2). 2 of the submissions do not count toward it. Last evaluated 2025-07-21.

Conditions:
Nonsyndromic genetic hearing loss. Also called: Non-syndromic genetic deafness; Nonsyndromic hearing loss and deafness; Nonsyndromic genetic deafness. Identifiers: Orphanet 87884, MedGen C5680182, MONDO:0019497.
Autosomal dominant nonsyndromic hearing loss 12. Also called: DEAFNESS, AUTOSOMAL DOMINANT 8. Identifiers: Orphanet 90635, MedGen C1832187, MONDO:0011102, OMIM 601543.

Allele frequency attached by ClinVar (database versions not stated): gnomAD exomes below 0.00001.
gnomAD v4.1: 8 of 1,614,192 alleles (0.0005%); highest among the groups gnomAD compares: Admixed American, 0.0017%; no homozygotes.

Submissions (5):

3billion
Classification: Likely pathogenic for Autosomal dominant nonsyndromic hearing loss 12. Last evaluated: 2025-07-21. Review status: criteria provided, single submitter. Criteria: ACMG Guidelines, 2015. Collection method: clinical testing. Allele origin: germline. Affected: yes.
Comment: The variant is observed at an extremely low frequency in the gnomAD v4.1.0 dataset (total allele frequency: <0.001%). Predicted Consequence/Location: Missense variant In silico tool predictions suggest damaging effect of the variant on gene or gene product [REVEL: 0.82 (>=0.6, sensitivity 0.68 and specificity 0.92); 3Cnet: 0.98 (> 0.75, sensitivity 0.96 and precision 0.92)]. The same nucleotide change resulting in the same amino acid change has been previously reported to be associated with TECTA-related disorder (ClinVar ID: VCV000007021 /PMID: 12162770). A different missense change at the same codon (p.Arg2021Cys) has been reported as pathogenic/likely pathogenic with strong evidence (ClinVar ID: VCV000930525 /PMID: 29293505). Therefore, this variant is classified as Likely pathogenic according to the recommendation of ACMG/AMP guideline.

Laboratory for Molecular Medicine, Mass General Brigham Personalized Medicine
Classification: Likely pathogenic for Nonsyndromic genetic hearing loss. Last evaluated: 2023-10-16. Review status: criteria provided, single submitter. Criteria: ACMG Guidelines, 2015. Collection method: clinical testing. Allele origin: germline. Inheritance: Autosomal dominant inheritance.
Comment: The p.Arg2021His variant in TECTA has been reported in 4 individuals with hearing loss and segregated with disease in 4 affected family members across two families (Iwasaki 2002 PMID: 12162770, Lin 2021 PMID: 34325055, Invitae pers. comm., LMM unpublished data). It was reported to have occurred de novo in one of the affected individuals (Invitae pers. comm.). The variant was absent from large population studies. It has been reported in ClinVar (Variation ID 7021). Computational prediction tools and conservation analyses suggest that this variant may impact the protein, though this information is not predictive enough to determine pathogenicity. In vitro functional studies provide some evidence that this variant impacts localization of the protein (Moteki 2012 PMID: 22718023); however, these types of assays may not accurately represent biological function. In summary, although additional studies are required to fully establish its clinical significance, this variant meets criteria to be classified as likely pathogenic for autosomal dominant nonsyndromic hearing loss. ACMG/AMP Criteria applied: PS4, PM6_Supporting, PM2_Supporting, PP1_Moderate, PP3, PS3_Supporting.

Labcorp Genetics (formerly Invitae), Labcorp
Classification: Pathogenic. Last evaluated: 2023-06-13. Review status: criteria provided, single submitter. Criteria: Invitae Variant Classification Sherloc (09022015). Collection method: clinical testing. Allele origin: germline.
Comment: This sequence change replaces arginine, which is basic and polar, with histidine, which is basic and polar, at codon 2021 of the TECTA protein (p.Arg2021His). Experimental studies have shown that this missense change affects TECTA function (PMID: 22718023). Advanced modeling of protein sequence and biophysical properties (such as structural, functional, and spatial information, amino acid conservation, physicochemical variation, residue mobility, and thermodynamic stability) has been performed at Invitae for this missense variant, however the output from this modeling did not meet the statistical confidence thresholds required to predict the impact of this variant on TECTA protein function. ClinVar contains an entry for this variant (Variation ID: 7021). This missense change has been observed in individual(s) with autosomal dominant nonsyndromic deafness and/or clinical features of TECTA-related conditions (PMID: 12162770; Invitae). In at least one individual the variant was observed to be de novo. It has also been observed to segregate with disease in related individuals. This variant is present in population databases (rs121909062, gnomAD 0.0009%). For these reasons, this variant has been classified as Pathogenic.

OMIM
Classification: Pathogenic for DEAFNESS, AUTOSOMAL DOMINANT 12. Last evaluated: 2002-08-01. Review status: no assertion criteria provided. Collection method: literature only. Allele origin: germline. Not counted in ClinVar's aggregate classification.

Eurofins Ntd Llc (ga)
Classification: Uncertain significance. Last evaluated: 2017-02-02. Review status: flagged submission. Criteria: EGL Classification Definitions 2015. Collection method: clinical testing. Allele origin: germline. Observed: 1 variant allele, 1 heterozygote. Not counted in ClinVar's aggregate classification.
ClinVar note: Reason: Outlier claim with insufficient supporting evidence

Literature cited by the submitters: PubMed 29293505 (cited by 3billion); PubMed 12162770 (cited by 4 submitters); PubMed 22718023 (cited by Laboratory for Molecular Medicine, Mass General Brigham Personalized Medicine and Labcorp Genetics (formerly Invitae), Labcorp); PubMed 34325055 (cited by Laboratory for Molecular Medicine, Mass General Brigham Personalized Medicine).